The following is an entry in ClinVar:

NM_004990.4(MARS1):c.2100-1G>A

Gene: MARS1 (methionyl-tRNA synthetase 1; plus strand). Cytogenetic location: 12q13.3.
Variant type: single nucleotide variant.
Coding change: c.2100-1G>A on transcript NM_004990.4 (MANE Select); the canonical splice acceptor site of the intron before coding-DNA position 2100, G replaced by A.
Molecular consequence: splice acceptor variant.
Genome position (GRCh38, 1-based): chr12:57,514,953, G>A. VCF-style: chr12-57514953-G-A. GRCh37 (hg19) VCF-style: chr12-57908736-G-A.
Identifiers: ClinVar variation 2939856 (VCV002939856.3), dbSNP rs2540318798, ClinGen allele CA385465032.

ClinVar aggregate classification (germline): Uncertain significance (1 of 4 stars; one submission).

Conditions:
Severe early-onset pulmonary alveolar proteinosis due to MARS deficiency. Also called: PULMONARY ALVEOLAR PROTEINOSIS, REUNION ISLAND; Interstitial lung and liver disease. Identifiers: Orphanet 440427, MedGen C4225400, MONDO:0014206, OMIM 615486.
Charcot-Marie-Tooth disease axonal type 2U. Also called: CHARCOT-MARIE-TOOTH NEUROPATHY, TYPE 2U; CHARCOT-MARIE-TOOTH DISEASE, AXONAL, AUTOSOMAL DOMINANT, TYPE 2U. Identifiers: Orphanet 397735, MedGen C4084821, MONDO:0014566, OMIM 616280.

Submission:

Labcorp Genetics (formerly Invitae), Labcorp
Classification: Uncertain significance for Charcot-Marie-Tooth disease axonal type 2U; Severe early-onset pulmonary alveolar proteinosis due to MARS deficiency. Last evaluated: 2024-02-12. Review status: criteria provided, single submitter. Criteria: Invitae Variant Classification Sherloc (09022015). Collection method: clinical testing. Allele origin: germline.
Comment: This sequence change affects an acceptor splice site in intron 16 of the MARS gene. It is expected to disrupt RNA splicing. Variants that disrupt the donor or acceptor splice site typically lead to a loss of protein function (PMID: 16199547), however the current clinical and genetic evidence is not sufficient to establish whether loss-of-function variants in MARS cause disease. This variant is not present in population databases (gnomAD no frequency). This variant has not been reported in the literature in individuals affected with MARS-related conditions. Algorithms developed to predict the effect of sequence changes on RNA splicing suggest that this variant may disrupt the consensus splice site. In summary, the available evidence is currently insufficient to determine the role of this variant in disease. Therefore, it has been classified as a Variant of Uncertain Significance.

Literature cited by the submitters: PubMed 16199547.